The following is an entry in ClinVar:

NM_002206.3(ITGA7):c.1008C>T (p.Asp336=)

Gene: ITGA7 (integrin subunit alpha 7; minus strand). Cytogenetic location: 12q13.2.
Variant type: single nucleotide variant.
Coding change: c.1008C>T on transcript NM_002206.3 (MANE Select); coding-DNA position 1008, C replaced by T.
Protein change: p.Asp336=; no amino-acid change (aspartic acid 336 retained).
Molecular consequence: synonymous variant. On other transcripts: 5 prime UTR variant (1).
Genome position (GRCh38, 1-based): chr12:55,698,567, G>A on the plus strand (C>T on the coding strand, the complement: ITGA7 is on the minus strand). VCF-style: chr12-55698567-G-A. GRCh37 (hg19) VCF-style: chr12-56092351-G-A.
Other names: c.1020C>T, p.Asp340= (NM_001144996.2, NM_001414029.1, NM_001414030.1); c.729C>T, p.Asp243= (NM_001144997.2); c.681C>T, p.Asp227= (NM_001367993.1); c.-285C>T (NM_001367994.1); c.1008C>T, p.Asp336= (NM_001374465.1, NM_001414031.1, NM_001414034.1); c.1140C>T, p.Asp380= (NM_001410977.1); c.888C>T, p.Asp296= (NM_001414032.1); c.825C>T, p.Asp275= (NM_001414033.1); and 1 more.
Identifiers: ClinVar variation 285092 (VCV000285092.18), dbSNP rs145114073, ClinGen allele CA6616080.
Genomic context (GRCh38, chr12:55,698,567, plus strand): 5'-ATACACAGCACCCCCCAGCTCTTCTTGGCGCTCAAAGAAGTAGGGGGCACCCACTATCAG[G>A]TCTGGCCAGCTATGGAGAGAGGGAAACATTCAGTGTGGGTCCTCCCTGGCCAGAGGAGCC-3'
Protein context (NP_002197.2, residues 326-346): VADLNSDGWP[Asp336=]LIVGAPYFFE

ClinVar aggregate classification (germline): Benign/Likely benign. Review status: criteria provided, multiple submitters, no conflicts (2 of 4 stars). 4 submissions from 4 submitters: Benign (1); Likely benign (2). 1 of the submissions does not count toward it. Last evaluated 2026-01-04.

Conditions:
ITGA7-related disorder. Also called: ITGA7-related condition.
Congenital muscular dystrophy due to integrin alpha-7 deficiency. Also called: Congenital muscular dystrophy with integrin alpha-7 deficiency; Muscular dystrophy, congenital, due to ITGA7 deficiency; MYOPATHY, CONGENITAL, DUE TO INTEGRIN ALPHA-7 DEFICIENCY. Identifiers: Orphanet 34520, MedGen C2750786, MONDO:0013177, OMIM 613204.

Allele frequency attached by ClinVar (database versions not stated): gnomAD exomes 0.00007 and 0.00024; ExAC 0.00035; gnomAD 0.00090; TOPMed 0.00096; ESP Exome Variant Server 0.00108; 1000 Genomes Project 0.00160; 1000 Genomes Project 30x 0.00203.

Submissions (4):

Labcorp Genetics (formerly Invitae), Labcorp
Classification: Benign for Congenital muscular dystrophy due to integrin alpha-7 deficiency. Last evaluated: 2026-01-04. Review status: criteria provided, single submitter. Criteria: Invitae Variant Classification Sherloc (09022015). Collection method: clinical testing. Allele origin: germline.

Eurofins Ntd Llc (ga)
Classification: Likely benign. Last evaluated: 2015-12-24. Review status: criteria provided, single submitter. Criteria: EGL Classification Definitions 2015. Collection method: clinical testing. Allele origin: germline. Observed: 1 variant allele, 1 heterozygote.

Breakthrough Genomics
Classification: Likely benign. Review status: criteria provided, single submitter. Criteria: ACMG Guidelines, 2015. Collection method: not provided. Allele origin: germline. Inheritance: Autosomal recessive inheritance. Affected: yes.

PreventionGenetics, part of Exact Sciences
Classification: Likely benign for ITGA7-related condition. Last evaluated: 2020-09-17. Review status: no assertion criteria provided. Collection method: clinical testing. Allele origin: germline. Not counted in ClinVar's aggregate classification.
Comment: This variant is classified as likely benign based on ACMG/AMP sequence variant interpretation guidelines (Richards et al. 2015 PMID: 25741868, with internal and published modifications).